The following is an entry in ClinVar:

ClinVar aggregate classification (germline): Uncertain significance (1 of 4 stars; one submission).

Conditions:
Emery-Dreifuss muscular dystrophy 4, autosomal dominant (EDMD4). Also called: EMERY-DREIFUSS MUSCULAR DYSTROPHY 4 WITH VARIABLE FEATURES. Identifiers: Orphanet 261, MedGen C2751807, MONDO:0013071, OMIM 612998.
Autosomal recessive ataxia, Beauce type. Also called: Spinocerebellar ataxia, autosomal recessive 8; ATAXIA, RECESSIVE, OF BEAUCE; SYNE1 Deficiency; SYNE1-Related Autosomal Recessive Cerebellar Ataxia. Identifiers: Orphanet 88644, MedGen C1853116, MONDO:0012549, OMIM 610743.

gnomAD v4.1: 4 of 1,614,198 alleles (0.00025%); highest among the groups gnomAD compares: Admixed American, 0.005%; no homozygotes.

Submission:

Labcorp Genetics (formerly Invitae), Labcorp
Classification: Uncertain significance for Emery-Dreifuss muscular dystrophy 4, autosomal dominant; Autosomal recessive ataxia, Beauce type. Last evaluated: 2021-09-19. Review status: criteria provided, single submitter. Criteria: Invitae Variant Classification Sherloc (09022015). Collection method: clinical testing. Allele origin: germline.
Comment: This sequence change replaces serine with phenylalanine at codon 6808 of the SYNE1 protein (p.Ser6808Phe). The serine residue is moderately conserved and there is a large physicochemical difference between serine and phenylalanine. This variant is not present in population databases (ExAC no frequency). This variant has not been reported in the literature in individuals affected with SYNE1-related conditions. Algorithms developed to predict the effect of missense changes on protein structure and function are either unavailable or do not agree on the potential impact of this missense change (SIFT: "Deleterious"; PolyPhen-2: "Possibly Damaging"; Align-GVGD: "Class C15"). In summary, the available evidence is currently insufficient to determine the role of this variant in disease. Therefore, it has been classified as a Variant of Uncertain Significance.

NM_182961.4(SYNE1):c.20636C>T (p.Ser6879Phe)

Gene: SYNE1 (spectrin repeat containing nuclear envelope protein 1; minus strand). Cytogenetic location: 6q25.2.
Variant type: single nucleotide variant.
Coding change: c.20636C>T on transcript NM_182961.4 (MANE Select); coding-DNA position 20636, C replaced by T.
Protein change: p.Ser6879Phe; replaces serine 6879 with phenylalanine.
Molecular consequence: missense variant.
Genome position (GRCh38, 1-based): chr6:152,233,857, G>A on the plus strand (C>T on the coding strand, the complement: SYNE1 is on the minus strand). VCF-style: chr6-152233857-G-A. GRCh37 (hg19) VCF-style: chr6-152554992-G-A.
Other names: c.20423C>T, p.Ser6808Phe (NM_033071.5); short protein forms S6808F, S6879F.
Identifiers: ClinVar variation 1429617 (VCV001429617.6), dbSNP rs769820392, ClinGen allele CA366118055.